The following is an entry in ClinVar:

NM_133259.4(LRPPRC):c.1184A>G (p.Lys395Arg)

Gene: LRPPRC (leucine rich pentatricopeptide repeat containing; minus strand). Cytogenetic location: 2p21.
Variant type: single nucleotide variant.
Coding change: c.1184A>G on transcript NM_133259.4 (MANE Select); coding-DNA position 1184, A replaced by G.
Protein change: p.Lys395Arg; replaces lysine 395 with arginine.
Molecular consequence: missense variant.
Genome position (GRCh38, 1-based): chr2:43,973,872, T>C on the plus strand (A>G on the coding strand, the complement: LRPPRC is on the minus strand). VCF-style: chr2-43973872-T-C. GRCh37 (hg19) VCF-style: chr2-44201011-T-C.
Other names: p.K395R:AAG>AGG; short protein forms K395R.
Identifiers: ClinVar variation 214584 (VCV000214584.1), dbSNP rs781185542, ClinGen allele CA321630.

ClinVar aggregate classification (germline): Likely benign (1 of 4 stars; one submission).

Allele frequency attached by ClinVar (database versions not stated): ExAC 0.00001; gnomAD 0.00001; gnomAD exomes 0.00001 and 0.00002; TOPMed 0.00001.
gnomAD v4.1: 7 of 1,612,616 alleles (0.00043%); highest among the groups gnomAD compares: Admixed American, 0.012%; no homozygotes.

Submission:

GeneDx
Classification: Likely benign. Last evaluated: 2013-09-10. Review status: criteria provided, single submitter. Criteria: GeneDx Variant Classification (06012015). Collection method: clinical testing. Allele origin: germline. Affected: yes.
Comment: This variant is considered likely benign or benign based on one or more of the following criteria: it is a conservative change, it occurs at a poorly conserved position in the protein, it is predicted to be benign by multiple in silico algorithms, and/or has population frequency not consistent with disease.